The following is an entry in ClinVar:

ClinVar aggregate classification (germline): Uncertain significance. Review status: criteria provided, multiple submitters, no conflicts (2 of 4 stars). 2 submissions from 2 submitters: Uncertain significance (2). Last evaluated 2024-09-10.

Conditions:
Birt-Hogg-Dube syndrome. Also called: Birt Hogg Dubé syndrome. Identifiers: Orphanet 122, MedGen C0346010, MONDO:0800444.
Hereditary cancer-predisposing syndrome. Also called: Hereditary neoplastic syndrome; Tumor predisposition; Hereditary Cancer Syndrome; Neoplastic Syndromes, Hereditary. Identifiers: Orphanet 140162, MedGen C0027672, MeSH D009386, MONDO:0015356.

Allele frequency attached by ClinVar (database versions not stated): TOPMed below 0.00001; gnomAD 0.00001.
gnomAD v4.1: 1 of 1,613,858 alleles (0.000062%); highest among the groups gnomAD compares: African/African-American, 0.0013%; no homozygotes.

Submissions (2):

Ambry Genetics
Classification: Uncertain significance for Hereditary cancer-predisposing syndrome. Last evaluated: 2024-09-10. Review status: criteria provided, single submitter. Criteria: Ambry Variant Classification Scheme 2023. Collection method: clinical testing. Allele origin: germline.
Comment: The p.Q41E variant (also known as c.121C>G), located in coding exon 1 of the FLCN gene, results from a C to G substitution at nucleotide position 121. The glutamine at codon 41 is replaced by glutamic acid, an amino acid with highly similar properties. This amino acid position is conserved. In addition, this alteration is predicted to be tolerated by in silico analysis. Since supporting evidence is limited at this time, the clinical significance of this alteration remains unclear.

Labcorp Genetics (formerly Invitae), Labcorp
Classification: Uncertain significance for Birt-Hogg-Dube syndrome. Last evaluated: 2023-02-25. Review status: criteria provided, single submitter. Criteria: Invitae Variant Classification Sherloc (09022015). Collection method: clinical testing. Allele origin: germline.
Comment: This sequence change replaces glutamine, which is neutral and polar, with glutamic acid, which is acidic and polar, at codon 41 of the FLCN protein (p.Gln41Glu). In summary, the available evidence is currently insufficient to determine the role of this variant in disease. Therefore, it has been classified as a Variant of Uncertain Significance. An algorithm developed to predict the effect of missense changes on protein structure and function (PolyPhen-2) suggests that this variant is likely to be tolerated. ClinVar contains an entry for this variant (Variation ID: 580238). This variant has not been reported in the literature in individuals affected with FLCN-related conditions. This variant is not present in population databases (gnomAD no frequency).

NM_144997.7(FLCN):c.121C>G (p.Gln41Glu)

Gene: FLCN (folliculin; minus strand). Cytogenetic location: 17p11.2.
Variant type: single nucleotide variant.
Coding change: c.121C>G on transcript NM_144997.7 (MANE Select); coding-DNA position 121, C replaced by G.
Protein change: p.Gln41Glu; replaces glutamine 41 with glutamic acid.
Molecular consequence: missense variant.
Genome position (GRCh38, 1-based): chr17:17,228,017, G>C on the plus strand (C>G on the coding strand, the complement: FLCN is on the minus strand). VCF-style: chr17-17228017-G-C. GRCh37 (hg19) VCF-style: chr17-17131331-G-C.
Other names: c.121C>G (LRG_325t1); c.121C>G, p.Gln41Glu (NM_001353229.2, NM_001353230.2, NM_001353231.2 and 1 more transcripts); short protein forms Q41E.
Identifiers: ClinVar variation 580238 (VCV000580238.9), dbSNP rs1254608489, ClinGen allele CA398535288.